The following is an entry in ClinVar:

ClinVar aggregate classification (germline): Uncertain significance (1 of 4 stars; one submission).

Conditions:
Familial hypobetalipoproteinemia 1. Also called: APOB-Related Familial Hypobetalipoproteinemia; Hypobetalipoproteinemia, normotriglyceridemic; Acanthocytosis with hypobetalipoproteinemia. Identifiers: MedGen C4551990, MONDO:0014252, OMIM 615558.
Hypercholesterolemia, autosomal dominant, type B (FHCL2). Also called: APOB-Related Familial Hypercholesterolemia, Autosomal Dominant; HYPERCHOLESTEROLEMIA, FAMILIAL, DUE TO LIGAND-DEFECTIVE APOLIPOPROTEIN B; Hyperlipoproteinemia Type IIb; Familial Hypercholesterolemia Type B; APOLIPOPROTEIN B-100, FAMILIAL DEFECTIVE; APOLIPOPROTEIN B-100, FAMILIAL LIGAND-DEFECTIVE. Identifiers: MedGen C1704417, MONDO:0007751, OMIM 144010.

Allele frequency attached by ClinVar (database versions not stated): gnomAD exomes below 0.00001.
gnomAD v4.1: 1 of 1,614,192 alleles (0.000062%); highest among the groups gnomAD compares: Admixed American, 0.0017%; no homozygotes.

Submission:

Labcorp Genetics (formerly Invitae), Labcorp
Classification: Uncertain significance for Familial hypobetalipoproteinemia 1; Hypercholesterolemia, autosomal dominant, type B. Last evaluated: 2021-11-16. Review status: criteria provided, single submitter. Criteria: Invitae Variant Classification Sherloc (09022015). Collection method: clinical testing. Allele origin: germline.
Comment: This variant has not been reported in the literature in individuals affected with APOB-related conditions. In summary, the available evidence is currently insufficient to determine the role of this variant in disease. Therefore, it has been classified as a Variant of Uncertain Significance. Algorithms developed to predict the effect of missense changes on protein structure and function are either unavailable or do not agree on the potential impact of this missense change (SIFT: "Deleterious"; PolyPhen-2: "Benign"; Align-GVGD: "Class C0"). This variant is present in population databases (no rsID available, gnomAD 0.003%). This sequence change replaces isoleucine, which is neutral and non-polar, with threonine, which is neutral and polar, at codon 1960 of the APOB protein (p.Ile1960Thr).

NM_000384.3(APOB):c.5879T>C (p.Ile1960Thr)

Gene: APOB (apolipoprotein B; minus strand). Cytogenetic location: 2p24.1.
Variant type: single nucleotide variant.
Coding change: c.5879T>C on transcript NM_000384.3 (MANE Select); coding-DNA position 5879, T replaced by C.
Protein change: p.Ile1960Thr; replaces isoleucine 1960 with threonine.
Molecular consequence: missense variant.
Genome position (GRCh38, 1-based): chr2:21,010,989, A>G on the plus strand (T>C on the coding strand, the complement: APOB is on the minus strand). VCF-style: chr2-21010989-A-G. GRCh37 (hg19) VCF-style: chr2-21233861-A-G.
Other names: short protein forms I1960T.
Identifiers: ClinVar variation 1355430 (VCV001355430.6), dbSNP rs1288960248, ClinGen allele CA346003777.